The following is an entry in ClinVar:

NM_017934.7(PHIP):c.13_26del (p.Arg5fs)

Genes: PHIP (PHIP subunit of CUL4-Ring ligase complex; minus strand), LOC129996745 (ATAC-STARR-seq lymphoblastoid silent region 17346; plus strand). Cytogenetic location: 6q14.1.
Variant type: Deletion.
Coding change: c.13_26del on transcript NM_017934.7 (MANE Select); coding-DNA positions 13 to 26, 14 bases deleted (AGGAAAGGCCTCTC).
Protein change: p.Arg5fs; shifts the reading frame from arginine 5.
Molecular consequence: frameshift variant.
Genome position (GRCh38, 1-based): chr6:79,078,043-79,078,056, GAGAGGCCTTTCCT deleted on the plus strand (AGGAAAGGCCTCTC on the coding strand, the reverse complement: PHIP is on the minus strand). VCF-style (leftmost placement, unchanged base first): chr6-79078042-CGAGAGGCCTTTCCT-C. GRCh37 (hg19) VCF-style: chr6-79787759-CGAGAGGCCTTTCCT-C.
Other names: short protein forms R5fs.
Identifiers: ClinVar variation 3728688 (VCV003728688.2).
Genomic context (GRCh38, chr6:79,078,042, plus strand): 5'-GGGCGGAATCGCCCGGTGCCAGCGGCCCCGGCAGCCCCCCGACTTACCCGATCGCAGCTC[CGAGAGGCCTTTCCT>C]CTCACAAGACATGTTTATGGGTCACTTCAGGGCCGCCGACGGGACACCCCGCCGCCGAGG-3'

ClinVar aggregate classification (germline): Pathogenic (1 of 4 stars; one submission).

Submission:

Labcorp Genetics (formerly Invitae), Labcorp
Classification: Pathogenic. Last evaluated: 2025-04-21. Review status: criteria provided, single submitter. Criteria: Invitae Variant Classification Sherloc (09022015). Collection method: clinical testing. Allele origin: germline.
Comment: This sequence change creates a premature translational stop signal (p.Arg5Glyfs*64) in the PHIP gene. It is expected to result in an absent or disrupted protein product. Loss-of-function variants in PHIP are known to be pathogenic (PMID: 27900362). This variant is not present in population databases (gnomAD no frequency). This variant has not been reported in the literature in individuals affected with PHIP-related conditions. ClinVar contains an entry for this variant (Variation ID: 3728688). For these reasons, this variant has been classified as Pathogenic.

Literature cited by the submitters: PubMed 27900362.